The following is an entry in ClinVar:

ClinVar aggregate classification (germline): Uncertain significance (1 of 4 stars; one submission).

Allele frequency attached by ClinVar (database versions not stated): gnomAD exomes 0.00001; TOPMed 0.00004; gnomAD 0.00005.
gnomAD v4.1: 16 of 1,578,136 alleles (0.001%); highest among the groups gnomAD compares: African/African-American, 0.012%; no homozygotes.

Submission:

Labcorp Genetics (formerly Invitae), Labcorp
Classification: Uncertain significance. Last evaluated: 2025-10-21. Review status: criteria provided, single submitter. Criteria: Invitae Variant Classification Sherloc (09022015). Collection method: clinical testing. Allele origin: germline.
Comment: This sequence change replaces methionine, which is neutral and non-polar, with threonine, which is neutral and polar, at codon 650 of the HMCN1 protein (p.Met650Thr). This variant is present in population databases (no rsID available, gnomAD 0.01%). This variant has not been reported in the literature in individuals affected with HMCN1-related conditions. ClinVar contains an entry for this variant (Variation ID: 2069683). An algorithm developed to predict the effect of missense changes on protein structure and function outputs the following: PolyPhen-2: "Benign". The threonine amino acid residue is found in multiple mammalian species, which suggests that this missense change does not adversely affect protein function. In summary, the available evidence is currently insufficient to determine the role of this variant in disease. Therefore, it has been classified as a Variant of Uncertain Significance.

NM_031935.3(HMCN1):c.1949T>C (p.Met650Thr)

Gene: HMCN1 (hemicentin 1; plus strand). Cytogenetic location: 1q31.1.
Variant type: single nucleotide variant.
Coding change: c.1949T>C on transcript NM_031935.3 (MANE Select); coding-DNA position 1949, T replaced by C.
Protein change: p.Met650Thr; replaces methionine 650 with threonine.
Molecular consequence: missense variant.
Genome position (GRCh38, 1-based): chr1:185,962,638, T>C. VCF-style: chr1-185962638-T-C. GRCh37 (hg19) VCF-style: chr1-185931770-T-C.
Other names: short protein forms M650T.
Identifiers: ClinVar variation 2069683 (VCV002069683.4), dbSNP rs868024432, ClinGen allele CA33457205.